The following is an entry in ClinVar:

ClinVar aggregate classification (germline): Uncertain significance (1 of 4 stars; one submission).

gnomAD v4.1: 3 of 1,613,560 alleles (0.00019%); highest among the groups gnomAD compares: Non-Finnish European, 0.00025%; no homozygotes.

Submission:

Labcorp Genetics (formerly Invitae), Labcorp
Classification: Uncertain significance. Last evaluated: 2023-12-15. Review status: criteria provided, single submitter. Criteria: Invitae Variant Classification Sherloc (09022015). Collection method: clinical testing. Allele origin: germline.
Comment: This sequence change replaces histidine, which is basic and polar, with arginine, which is basic and polar, at codon 748 of the TNFAIP3 protein (p.His748Arg). This variant is not present in population databases (gnomAD no frequency). This variant has not been reported in the literature in individuals affected with TNFAIP3-related conditions. Algorithms developed to predict the effect of missense changes on protein structure and function output the following: SIFT: "Not Available"; PolyPhen-2: "Benign"; Align-GVGD: "Not Available". The arginine amino acid residue is found in multiple mammalian species, which suggests that this missense change does not adversely affect protein function. In summary, the available evidence is currently insufficient to determine the role of this variant in disease. Therefore, it has been classified as a Variant of Uncertain Significance.

NM_001270508.2(TNFAIP3):c.2243A>G (p.His748Arg)

Gene: TNFAIP3 (TNF alpha induced protein 3; plus strand). Cytogenetic location: 6q23.3.
Variant type: single nucleotide variant.
Coding change: c.2243A>G on transcript NM_001270508.2 (MANE Select); coding-DNA position 2243, A replaced by G.
Protein change: p.His748Arg; replaces histidine 748 with arginine.
Molecular consequence: missense variant.
Genome position (GRCh38, 1-based): chr6:137,881,189, A>G. VCF-style: chr6-137881189-A-G. GRCh37 (hg19) VCF-style: chr6-138202326-A-G.
Other names: c.2243A>G, p.His748Arg (NM_001270507.2, NM_006290.4); short protein forms H748R.
Identifiers: ClinVar variation 3003892 (VCV003003892.3), dbSNP rs1483594433, ClinGen allele CA365797712.